The following is an entry in ClinVar:

ClinVar aggregate classification (germline): Uncertain significance. Review status: criteria provided, multiple submitters, no conflicts (2 of 4 stars). 3 submissions from 3 submitters: Uncertain significance (3). Last evaluated 2025-05-17.

Conditions:
Hereditary cancer-predisposing syndrome. Also called: Neoplastic Syndromes, Hereditary; Tumor predisposition; Hereditary neoplastic syndrome; Hereditary Cancer Syndrome. Identifiers: Orphanet 140162, MedGen C0027672, MeSH D009386, MONDO:0015356.
Intellectual disability, autosomal dominant 16 (CSS4). Also called: COFFIN-SIRIS SYNDROME 4. Identifiers: Orphanet 1465, MedGen C3553249, MONDO:0013821, OMIM 614609.
Rhabdoid tumor predisposition syndrome 2 (RTPS2). Identifiers: Orphanet 231108, Orphanet 69077, MedGen C2750074, MONDO:0013224, OMIM 613325.

Submissions (3):

Labcorp Genetics (formerly Invitae), Labcorp
Classification: Uncertain significance for Rhabdoid tumor predisposition syndrome 2. Last evaluated: 2025-05-17. Review status: criteria provided, single submitter. Criteria: Invitae Variant Classification Sherloc (09022015). Collection method: clinical testing. Allele origin: germline.
Comment: This sequence change replaces lysine, which is basic and polar, with asparagine, which is neutral and polar, at codon 744 of the SMARCA4 protein (p.Lys744Asn). This variant is not present in population databases (gnomAD no frequency). This missense change has been observed in individual(s) with SMARCA4-related conditions (PMID: 37500730). ClinVar contains an entry for this variant (Variation ID: 328029). Invitae Evidence Modeling of protein sequence and biophysical properties (such as structural, functional, and spatial information, amino acid conservation, physicochemical variation, residue mobility, and thermodynamic stability) has been performed for this missense variant. However, the output from this modeling did not meet the statistical confidence thresholds required to predict the impact of this variant on SMARCA4 protein function. In summary, the available evidence is currently insufficient to determine the role of this variant in disease. Therefore, it has been classified as a Variant of Uncertain Significance.

Ambry Genetics
Classification: Uncertain significance for Hereditary cancer-predisposing syndrome. Last evaluated: 2023-09-18. Review status: criteria provided, single submitter. Criteria: Ambry Variant Classification Scheme 2023. Collection method: clinical testing. Allele origin: germline.
Comment: The p.K744N variant (also known as c.2232G>C), located in coding exon 14 of the SMARCA4 gene, results from a G to C substitution at nucleotide position 2232. The lysine at codon 744 is replaced by asparagine, an amino acid with similar properties. This amino acid position is highly conserved in available vertebrate species. In addition, the in silico prediction for this alteration is inconclusive. Missense and in-frame variants in SMARCA4 are known to cause neurodevelopmental disorders; however, such associations with rhabdoid tumor predisposition syndrome including small cell carcinoma of the ovary-hypercalcemic type (SCCOHT) are exceedingly rare (Kosho T et al. Am J Med Genet C Semin Med Genet. 2014 Sep;166C(3):262-75; Jelinic P et al. Nat Genet. 2014 May;46(5):424-6). Based on the supporting evidence, the association of this alteration with Coffin-Siris syndrome is unknown; however, the association of this alteration with rhabdoid tumor predisposition syndrome is unlikely.

Genome-Nilou Lab
Classification: Uncertain significance for Intellectual disability, autosomal dominant 16. Last evaluated: 2021-07-15. Review status: criteria provided, single submitter. Criteria: ACMG Guidelines, 2015. Collection method: clinical testing. Allele origin: germline. Affected: no.

Literature cited by the submitters: PubMed 37500730 (cited by Labcorp Genetics (formerly Invitae), Labcorp).

NM_003072.5(SMARCA4):c.2232G>C (p.Lys744Asn)

Gene: SMARCA4 (SWI/SNF related BAF chromatin remodeling complex subunit ATPase 4; plus strand). Cytogenetic location: 19p13.2.
Variant type: single nucleotide variant.
Coding change: c.2232G>C on transcript NM_003072.5 (MANE Select); coding-DNA position 2232, G replaced by C.
Protein change: p.Lys744Asn; replaces lysine 744 with asparagine.
Molecular consequence: missense variant. On other transcripts: non-coding transcript variant (1).
Genome position (GRCh38, 1-based): chr19:11,010,489, G>C. VCF-style: chr19-11010489-G-C. GRCh37 (hg19) VCF-style: chr19-11121165-G-C.
Other names: c.2232G>C, p.Lys744Asn (NM_001128844.3, NM_001128845.2, NM_001128846.2 and 5 more transcripts); short protein forms K744N.
Identifiers: ClinVar variation 328029 (VCV000328029.15), dbSNP rs886054153, ClinGen allele CA10642186.